The following is an entry in ClinVar:

ClinVar aggregate classification (germline): Conflicting classifications of pathogenicity. Review status: criteria provided, conflicting classifications (1 of 4 stars). 5 submissions from 5 submitters: Uncertain significance (4); Likely benign (1). Last evaluated 2025-12-30.

Conditions:
Cardiovascular phenotype. Identifiers: MedGen CN230736.
Arrhythmogenic right ventricular cardiomyopathy (ARVD). Also called: Arrhythmogenic cardiomyopathy; Cardiomyopathy, ARVC; Arrhythmogenic right ventricular dysplasia; Arrhythmogenic Right Ventricular Cardiomyopathy (ARVC). Identifiers: Orphanet 247, MedGen C0349788, MeSH D019571, MONDO:0016587. Disease mechanism: loss of function. Inheritance: Various modes of inheritance.
Cardiomyopathy (CMYO). Also called: Cardiomyopathies. Identifiers: Orphanet 167848, MedGen C0878544, MONDO:0004994, HP:0001638. Inheritance: Various modes of inheritance.
Arrhythmogenic right ventricular dysplasia 10. Also called: Arrhythmogenic Right Ventricular Dysplasia/Cardiomyopathy10; ARRHYTHMOGENIC RIGHT VENTRICULAR DYSPLASIA, FAMILIAL, 10; Arrhythmogenic right ventricular dysplasia/cardiomyopathy, type 10. Identifiers: MedGen C1857777, MONDO:0012434, OMIM 610193.

Allele frequency attached by ClinVar (database versions not stated): TOPMed below 0.00001; gnomAD 0.00001.
gnomAD v4.1: 40 of 1,614,100 alleles (0.0025%); highest among the groups gnomAD compares: Non-Finnish European, 0.0033%; no homozygotes.

Submissions (5):

Ambry Genetics
Classification: Likely benign for Cardiovascular phenotype. Last evaluated: 2025-12-30. Review status: criteria provided, single submitter. Criteria: Ambry Variant Classification Scheme 2023. Collection method: clinical testing. Allele origin: germline.

Labcorp Genetics (formerly Invitae), Labcorp
Classification: Uncertain significance for Arrhythmogenic right ventricular dysplasia 10. Last evaluated: 2025-09-08. Review status: criteria provided, single submitter. Criteria: Invitae Variant Classification Sherloc (09022015). Collection method: clinical testing. Allele origin: germline.
Comment: This sequence change replaces glutamine, which is neutral and polar, with arginine, which is basic and polar, at codon 853 of the DSG2 protein (p.Gln853Arg). This variant is not present in population databases (gnomAD no frequency). This variant has not been reported in the literature in individuals affected with DSG2-related conditions. ClinVar contains an entry for this variant (Variation ID: 922568). Invitae Evidence Modeling of protein sequence and biophysical properties (such as structural, functional, and spatial information, amino acid conservation, physicochemical variation, residue mobility, and thermodynamic stability) has been performed for this missense variant. However, the output from this modeling did not meet the statistical confidence thresholds required to predict the impact of this variant on DSG2 protein function. In summary, the available evidence is currently insufficient to determine the role of this variant in disease. Therefore, it has been classified as a Variant of Uncertain Significance.

Color Diagnostics, LLC DBA Color Health
Classification: Uncertain significance for Cardiomyopathy. Last evaluated: 2024-03-07. Review status: criteria provided, single submitter. Criteria: ACMG Guidelines, 2015. Collection method: clinical testing. Allele origin: germline.
Comment: This missense variant replaces glutamine with arginine at codon 853 of the DSG2 protein. Computational prediction tool suggests that this variant may not impact protein structure and function (internally defined REVEL score threshold <=0.5, PMID: 27666373). Splice site prediction tools suggest that this variant may not impact RNA splicing. To our knowledge, functional studies have not been performed for this variant. This variant has not been reported in individuals affected with cardiovascular disorders in the literature. This variant has been identified in 1/31412 chromosomes in the general population by the Genome Aggregation Database (gnomAD). The available evidence is insufficient to determine the role of this variant in disease conclusively. Therefore, this variant is classified as a Variant of Uncertain Significance.

GeneDx
Classification: Uncertain significance. Last evaluated: 2023-12-15. Review status: criteria provided, single submitter. Criteria: GeneDx Variant Classification Process June 2021. Collection method: clinical testing. Allele origin: germline. Affected: yes.
Comment: Has not been previously published as pathogenic or benign to our knowledge; Not observed at significant frequency in large population cohorts (gnomAD); In silico analysis supports that this missense variant does not alter protein structure/function

All of Us Research Program, National Institutes of Health
Classification: Uncertain significance for Arrhythmogenic right ventricular cardiomyopathy. Last evaluated: 2023-04-27. Review status: criteria provided, single submitter. Criteria: ACMG Guidelines, 2015. Collection method: clinical testing. Allele origin: germline. Inheritance: Autosomal dominant inheritance. Observed: 2 variant alleles, 2 heterozygotes.
Comment: This missense variant replaces glutamine with arginine at codon 853 of the DSG2 protein. Computational prediction tool suggests that this variant may not impact protein structure and function (internally defined REVEL score threshold <=0.5, PMID: 27666373). Splice site prediction tools suggest that this variant may not impact RNA splicing. To our knowledge, functional studies have not been performed for this variant. This variant has not been reported in individuals affected with cardiovascular disorders in the literature. This variant has been identified in 1/31412 chromosomes in the general population by the Genome Aggregation Database (gnomAD). The available evidence is insufficient to determine the role of this variant in disease conclusively. Therefore, this variant is classified as a Variant of Uncertain Significance.

This study involves interpretation of variants in research participants for the purpose of population health screening. Participant phenotype was not available at the time of variant classification. Additional details can be found in publication PMID: 35346344, PMCID: PMC8962531

NM_001943.5(DSG2):c.2558A>G (p.Gln853Arg)

Genes: DSG2 (desmoglein 2; plus strand), DSG2-AS1 (DSG2 antisense RNA 1; minus strand). Cytogenetic location: 18q12.1.
Variant type: single nucleotide variant.
Coding change: c.2558A>G on transcript NM_001943.5 (MANE Select); coding-DNA position 2558, A replaced by G.
Protein change: p.Gln853Arg; replaces glutamine 853 with arginine.
Molecular consequence: missense variant.
Genome position (GRCh38, 1-based): chr18:31,545,944, A>G. VCF-style: chr18-31545944-A-G. GRCh37 (hg19) VCF-style: chr18-29125907-A-G.
Other names: c.2558A>G (NM_001943.3); short protein forms Q853R.
Identifiers: ClinVar variation 922568 (VCV000922568.15), dbSNP rs1567934468, ClinGen allele CA402145096.